The following is an entry in ClinVar:

ClinVar aggregate classification (germline): Pathogenic (1 of 4 stars; one submission).

Conditions:
Multiple endocrine neoplasia, type 1 (MEN1). Also called: MEN I; WERMER SYNDROME; Endocrine adenomatosis multiple; MEN 1; MEA I. Identifiers: Orphanet 652, MedGen C0025267, MeSH D018761, MONDO:0007540, OMIM 131100.

Submission:

Labcorp Genetics (formerly Invitae), Labcorp
Classification: Pathogenic for Multiple endocrine neoplasia, type 1. Last evaluated: 2022-11-29. Review status: criteria provided, single submitter. Criteria: Invitae Variant Classification Sherloc (09022015). Collection method: clinical testing. Allele origin: germline.
Comment: This missense change has been observed in individuals with clinical features of multiple endocrine neoplasia type 1 (PMID: 9215689, 15713725, 29036195, 29497973). ClinVar contains an entry for this variant (Variation ID: 1059330). Advanced modeling of protein sequence and biophysical properties (such as structural, functional, and spatial information, amino acid conservation, physicochemical variation, residue mobility, and thermodynamic stability) performed at Invitae indicates that this missense variant is expected to disrupt MEN1 protein function. Experimental studies are conflicting or provide insufficient evidence to determine the effect of this variant on MEN1 function (PMID: 9989505, 12509449, 14508515, 21127195, 21819486, 22090276). For these reasons, this variant has been classified as Pathogenic. This variant is not present in population databases (gnomAD no frequency). This sequence change replaces threonine, which is neutral and polar, with arginine, which is basic and polar, at codon 344 of the MEN1 protein (p.Thr344Arg).

Literature cited by the submitters: PubMed 9215689; PubMed 15713725; PubMed 29036195; PubMed 29497973; PubMed 9989505; PubMed 12509449; PubMed 14508515; PubMed 21127195; PubMed 21819486; PubMed 22090276.

NM_001370259.2(MEN1):c.1031C>G (p.Thr344Arg)

Gene: MEN1 (menin 1; minus strand). Cytogenetic location: 11q13.1.
Variant type: single nucleotide variant.
Coding change: c.1031C>G on transcript NM_001370259.2 (MANE Select); coding-DNA position 1031, C replaced by G.
Protein change: p.Thr344Arg; replaces threonine 344 with arginine.
Molecular consequence: missense variant.
Genome position (GRCh38, 1-based): chr11:64,806,250, G>C on the plus strand (C>G on the coding strand, the complement: MEN1 is on the minus strand). VCF-style: chr11-64806250-G-C. GRCh37 (hg19) VCF-style: chr11-64573722-G-C.
Other names: c.1031C>G, p.Thr344Arg (NM_001370261.2, NM_001370251.2, NM_001370260.2 and 1 more transcripts); c.926C>G, p.Thr309Arg (NM_001370262.2, NM_001370263.2); c.1046C>G, p.Thr349Arg (NM_130802.3, NM_130803.3, NM_130804.3 and 3 more transcripts); short protein forms T309R, T344R, T349R.
Identifiers: ClinVar variation 1059330 (VCV001059330.9), dbSNP rs1259681826, ClinGen allele CA381183209.